The following is an entry in ClinVar:

ClinVar aggregate classification (germline): Uncertain significance (1 of 4 stars; one submission).

Allele frequency attached by ClinVar (database versions not stated): gnomAD exomes below 0.00001 and 0.00001; ExAC 0.00001; gnomAD 0.00001; TOPMed 0.00001.
gnomAD v4.1: 15 of 1,613,546 alleles (0.00093%); highest among the groups gnomAD compares: East Asian, 0.0022%; no homozygotes.

Submission:

Labcorp Genetics (formerly Invitae), Labcorp
Classification: Uncertain significance. Last evaluated: 2021-06-17. Review status: criteria provided, single submitter. Criteria: Invitae Variant Classification Sherloc (09022015). Collection method: clinical testing. Allele origin: germline.
Comment: In summary, the available evidence is currently insufficient to determine the role of this variant in disease. Therefore, it has been classified as a Variant of Uncertain Significance. Algorithms developed to predict the effect of missense changes on protein structure and function are either unavailable or do not agree on the potential impact of this missense change (SIFT: "Deleterious"; PolyPhen-2: "Probably Damaging"; Align-GVGD: "Class C0"). This variant has not been reported in the literature in individuals with PDE6B-related conditions. This variant is present in population databases (rs750845388, ExAC 0.002%). This sequence change replaces arginine with tryptophan at codon 265 of the PDE6B protein (p.Arg265Trp). The arginine residue is highly conserved and there is a moderate physicochemical difference between arginine and tryptophan.

NM_000283.4(PDE6B):c.793C>T (p.Arg265Trp)

Genes: PDE6B (phosphodiesterase 6B; plus strand), PDE6B-AS1 (PDE6B antisense RNA 1; minus strand). Cytogenetic location: 4p16.3.
Variant type: single nucleotide variant.
Coding change: c.793C>T on transcript NM_000283.4 (MANE Select); coding-DNA position 793, C replaced by T.
Protein change: p.Arg265Trp; replaces arginine 265 with tryptophan.
Molecular consequence: missense variant. On other transcripts: 5 prime UTR variant (5).
Genome position (GRCh38, 1-based): chr4:653,933, C>T. VCF-style: chr4-653933-C-T. GRCh37 (hg19) VCF-style: chr4-647722-C-T.
Other names: c.793C>T, p.Arg265Trp (NM_001145291.2); c.-45C>T (NM_001145292.2, NM_001350154.3, NM_001379246.1 and 1 more transcripts); c.-248C>T (NM_001350155.3); short protein forms R265W.
Identifiers: ClinVar variation 838997 (VCV000838997.11), dbSNP rs750845388, ClinGen allele CA2794120.
Genomic context (GRCh38, chr4:653,933, plus strand): 5'-AAGGTGTTTGAGGAGCTGACGGACATCGAGAGGCAGTTCCACAAGGCCTTCTACACGGTG[C>T]GGGCCTACCTCAACTGCGAGCGGTACTCCGTGGGCCTCCTGGACATGACCAAGGAGAAGG-3'
Protein context (NP_000274.3, residues 255-275): RQFHKAFYTV[Arg265Trp]AYLNCERYSV